The following is an entry in ClinVar:

ClinVar aggregate classification (germline): Likely benign. Review status: criteria provided, single submitter (1 of 4 stars). 2 submissions from 2 submitters: Likely benign (1). 1 of the submissions does not count toward it. Last evaluated 2025-02-20.

Conditions:
BBS9-related disorder. Also called: BBS9-related condition.
Bardet-Biedl syndrome (BBS). Identifiers: Orphanet 110, MedGen C0752166, MONDO:0015229.

Allele frequency attached by ClinVar (database versions not stated): gnomAD 0.00001; TOPMed 0.00001.
gnomAD v4.1: 1 of 1,609,470 alleles (0.000062%); highest among the groups gnomAD compares: African/African-American, 0.0013%; no homozygotes.

Submissions (2):

Labcorp Genetics (formerly Invitae), Labcorp
Classification: Likely benign for Bardet-Biedl syndrome. Last evaluated: 2025-02-20. Review status: criteria provided, single submitter. Criteria: Invitae Variant Classification Sherloc (09022015). Collection method: clinical testing. Allele origin: germline.

PreventionGenetics, part of Exact Sciences
Classification: Likely benign for BBS9-related condition. Last evaluated: 2019-12-26. Review status: no assertion criteria provided. Collection method: clinical testing. Allele origin: germline. Not counted in ClinVar's aggregate classification.
Comment: This variant is classified as likely benign based on ACMG/AMP sequence variant interpretation guidelines (Richards et al. 2015 PMID: 25741868, with internal and published modifications).

NM_198428.3(BBS9):c.1815A>G (p.Gln605=)

Gene: BBS9 (Bardet-Biedl syndrome 9; plus strand). Cytogenetic location: 7p14.3.
Variant type: single nucleotide variant.
Coding change: c.1815A>G on transcript NM_198428.3 (MANE Select); coding-DNA position 1815, A replaced by G.
Protein change: p.Gln605=; no amino-acid change (glutamine 605 retained).
Molecular consequence: synonymous variant. On other transcripts: non-coding transcript variant (3).
Genome position (GRCh38, 1-based): chr7:33,383,691, A>G. VCF-style: chr7-33383691-A-G. GRCh37 (hg19) VCF-style: chr7-33423303-A-G.
Other names: c.1710A>G, p.Gln570= (NM_001033604.2); c.1800A>G, p.Gln600= (NM_001033605.2); c.1815A>G, p.Gln605= (NM_001348036.1, NM_001348041.4, NM_001348043.3 and 1 more transcripts); c.1449A>G, p.Gln483= (NM_001348037.3, NM_001348045.3, NM_001348046.3); c.1542A>G, p.Gln514= (NM_001348038.3); c.1437A>G, p.Gln479= (NM_001348039.3); c.1695A>G, p.Gln565= (NM_001348040.3, NM_014451.4); c.1680A>G, p.Gln560= (NM_001348042.3); and 2 more.
Identifiers: ClinVar variation 1649199 (VCV001649199.9), dbSNP rs1292611620, ClinGen allele CA454458696.
Genomic context (GRCh38, chr7:33,383,691, plus strand): 5'-TTACTAAGCATTTTTCCTTAATTTTTTTCTCTCAGAACGATATCGCATTCAGAGTGAACA[A>G]TTTGAAGATCTTTGGCTCATAACCAATGAGCTTATTCTTCGCCTTCAAGAATATTTTGAA-3'
Protein context (NP_940820.1, residues 595-615): TSQRYRIQSE[Gln605=]FEDLWLITNE